The following is an entry in ClinVar:

ClinVar aggregate classification (germline): Uncertain significance (1 of 4 stars; one submission).

Conditions:
Bardet-Biedl syndrome (BBS). Identifiers: Orphanet 110, MedGen C0752166, MONDO:0015229.

Allele frequency attached by ClinVar (database versions not stated): gnomAD exomes below 0.00001 and 0.00001; ExAC 0.00001.

Submission:

Labcorp Genetics (formerly Invitae), Labcorp
Classification: Uncertain significance for Bardet-Biedl syndrome. Last evaluated: 2022-06-13. Review status: criteria provided, single submitter. Criteria: Invitae Variant Classification Sherloc (09022015). Collection method: clinical testing. Allele origin: germline.
Comment: This sequence change replaces histidine, which is basic and polar, with asparagine, which is neutral and polar, at codon 98 of the BBS10 protein (p.His98Asn). This variant is present in population databases (rs748465517, gnomAD 0.006%). This variant has not been reported in the literature in individuals affected with BBS10-related conditions. Algorithms developed to predict the effect of missense changes on protein structure and function are either unavailable or do not agree on the potential impact of this missense change (SIFT: "Deleterious"; PolyPhen-2: "Benign"; Align-GVGD: "Class C0"). In summary, the available evidence is currently insufficient to determine the role of this variant in disease. Therefore, it has been classified as a Variant of Uncertain Significance.

NM_024685.4(BBS10):c.292C>A (p.His98Asn)

Gene: BBS10 (Bardet-Biedl syndrome 10; minus strand). Cytogenetic location: 12q21.2.
Variant type: single nucleotide variant.
Coding change: c.292C>A on transcript NM_024685.4 (MANE Select); coding-DNA position 292, C replaced by A.
Protein change: p.His98Asn; replaces histidine 98 with asparagine.
Molecular consequence: missense variant.
Genome position (GRCh38, 1-based): chr12:76,347,693, G>T on the plus strand (C>A on the coding strand, the complement: BBS10 is on the minus strand). VCF-style: chr12-76347693-G-T. GRCh37 (hg19) VCF-style: chr12-76741473-G-T.
Other names: short protein forms H98N.
Identifiers: ClinVar variation 1522413 (VCV001522413.5), dbSNP rs748465517, ClinGen allele CA6694375.